The following is an entry in ClinVar:

NM_005263.5(GFI1):c.862A>G (p.Met288Val)

Gene: GFI1 (growth factor independent 1 transcriptional repressor; minus strand). Cytogenetic location: 1p22.1.
Variant type: single nucleotide variant.
Coding change: c.862A>G on transcript NM_005263.5 (MANE Select); coding-DNA position 862, A replaced by G.
Protein change: p.Met288Val; replaces methionine 288 with valine.
Molecular consequence: missense variant.
Genome position (GRCh38, 1-based): chr1:92,480,410, T>C on the plus strand (A>G on the coding strand, the complement: GFI1 is on the minus strand). VCF-style: chr1-92480410-T-C. GRCh37 (hg19) VCF-style: chr1-92945967-T-C.
Other names: c.862A>G, p.Met288Val (NM_001127215.3, NM_001127216.3); short protein forms M288V.
Identifiers: ClinVar variation 3519845 (VCV003519845.1).
Genomic context (GRCh38, chr1:92,480,410, plus strand): 5'-GCGAGTGCACGGCTTTGTGCTGCTCCAGGCTCACCGCGTGCCCGAAGGTCTTGCCGCACA[T>C]CTCGCAGGCAAAGGGTCTGGTACCGCTGTGGGACCTGCGCACGTGCACCTCGAGCCCGTG-3'
Protein context (NP_005254.2, residues 278-298): HSGTRPFACE[Met288Val]CGKTFGHAVS

ClinVar aggregate classification (germline): Uncertain significance (1 of 4 stars; one submission).

gnomAD v4.1: 1 of 1,550,324 alleles (0.000065%); highest among the groups gnomAD compares: Non-Finnish European, 0.000087%; no homozygotes.

Submission:

Ambry Genetics
Classification: Uncertain significance. Last evaluated: 2024-12-03. Review status: criteria provided, single submitter. Criteria: Ambry Variant Classification Scheme 2023. Collection method: clinical testing. Allele origin: germline.
Comment: The p.M288V variant (also known as c.862A>G), located in coding exon 4 of the GFI1 gene, results from an A to G substitution at nucleotide position 862. The methionine at codon 288 is replaced by valine, an amino acid with highly similar properties. This amino acid position is conserved. In addition, this alteration is predicted to be tolerated by in silico analysis. Based on the available evidence, the clinical significance of this variant remains unclear.